The following is an entry in ClinVar:

NM_005612.5(REST):c.2179G>A (p.Glu727Lys)

Gene: REST (RE1 silencing transcription factor; plus strand). Cytogenetic location: 4q12.
Variant type: single nucleotide variant.
Coding change: c.2179G>A on transcript NM_005612.5 (MANE Select); coding-DNA position 2179, G replaced by A.
Protein change: p.Glu727Lys; replaces glutamic acid 727 with lysine.
Molecular consequence: missense variant.
Genome position (GRCh38, 1-based): chr4:56,931,037, G>A. VCF-style: chr4-56931037-G-A. GRCh37 (hg19) VCF-style: chr4-57797203-G-A.
Other names: c.2179G>A, p.Glu727Lys (NM_001193508.2, NM_001363453.3); short protein forms E727K.
Identifiers: ClinVar variation 861903 (VCV000861903.11), dbSNP rs201530969, ClinGen allele CA2932424.

ClinVar aggregate classification (germline): Uncertain significance. Review status: criteria provided, multiple submitters, no conflicts (2 of 4 stars). 3 submissions from 3 submitters: Uncertain significance (3). Last evaluated 2026-09-23.

Conditions:
REST-related disorder. Also called: REST-related condition.
Inborn genetic diseases. Identifiers: MedGen C0950123, MeSH D030342.

Allele frequency attached by ClinVar (database versions not stated): TOPMed 0.00001; ExAC 0.00002; gnomAD exomes 0.00002 and 0.00004; gnomAD 0.00003 and 0.00004.
gnomAD v4.1: 62 of 1,613,898 alleles (0.0038%); highest among the groups gnomAD compares: Middle Eastern, 0.016%; no homozygotes.

Submissions (3):

PreventionGenetics, part of Exact Sciences
Classification: Uncertain significance for REST-related condition. Last evaluated: 2026-09-23. Review status: criteria provided, single submitter. Criteria: ACMG Guidelines, 2015. Collection method: clinical testing. Allele origin: germline.
Comment: The REST c.2179G>A variant is predicted to result in the amino acid substitution p.Glu727Lys. To our knowledge, this variant has not been reported in the literature. This variant is reported in 0.0054% of alleles in individuals of European (Non-Finnish) descent in gnomAD. At this time, the clinical significance of this variant is uncertain due to the absence of conclusive functional and genetic evidence.

Labcorp Genetics (formerly Invitae), Labcorp
Classification: Uncertain significance. Last evaluated: 2025-04-09. Review status: criteria provided, single submitter. Criteria: Invitae Variant Classification Sherloc (09022015). Collection method: clinical testing. Allele origin: germline.
Comment: This sequence change replaces glutamic acid, which is acidic and polar, with lysine, which is basic and polar, at codon 727 of the REST protein (p.Glu727Lys). This variant is present in population databases (rs201530969, gnomAD 0.006%). This variant has not been reported in the literature in individuals affected with REST-related conditions. ClinVar contains an entry for this variant (Variation ID: 861903). An algorithm developed to predict the effect of missense changes on protein structure and function (PolyPhen-2) suggests that this variant is likely to be tolerated. In summary, the available evidence is currently insufficient to determine the role of this variant in disease. Therefore, it has been classified as a Variant of Uncertain Significance.

Ambry Genetics
Classification: Uncertain significance for Inborn genetic diseases. Last evaluated: 2022-05-18. Review status: criteria provided, single submitter. Criteria: Ambry Variant Classification Scheme 2023. Collection method: clinical testing. Allele origin: germline.